The following is an entry in ClinVar:

ClinVar aggregate classification (germline): Uncertain significance (1 of 4 stars; one submission).

Conditions:
Cardiovascular phenotype. Identifiers: MedGen CN230736.

Allele frequency attached by ClinVar (database versions not stated): gnomAD 0.00001.
gnomAD v4.1: 2 of 1,609,472 alleles (0.00012%); highest among the groups gnomAD compares: African/African-American, 0.0013%; no homozygotes.

Submission:

Ambry Genetics
Classification: Uncertain significance for Cardiovascular phenotype. Last evaluated: 2024-03-07. Review status: criteria provided, single submitter. Criteria: Ambry Variant Classification Scheme 2023. Collection method: clinical testing. Allele origin: germline.
Comment: The p.V861M variant (also known as c.2581G>A), located in coding exon 17 of the FLNC gene, results from a G to A substitution at nucleotide position 2581. The valine at codon 861 is replaced by methionine, an amino acid with highly similar properties. This amino acid position is conserved. In addition, this alteration is predicted to be deleterious by in silico analysis. Based on the available evidence, the clinical significance of this alteration remains unclear.

NM_001458.5(FLNC):c.2581G>A (p.Val861Met)

Gene: FLNC (filamin C; plus strand). Cytogenetic location: 7q32.1.
Variant type: single nucleotide variant.
Coding change: c.2581G>A on transcript NM_001458.5 (MANE Select); coding-DNA position 2581, G replaced by A.
Protein change: p.Val861Met; replaces valine 861 with methionine.
Molecular consequence: missense variant.
Genome position (GRCh38, 1-based): chr7:128,843,259, G>A. VCF-style: chr7-128843259-G-A. GRCh37 (hg19) VCF-style: chr7-128483313-G-A.
Other names: c.2581G>A, p.Val861Met (NM_001127487.2); short protein forms V861M.
Identifiers: ClinVar variation 3221713 (VCV003221713.1), dbSNP rs962050311, ClinGen allele CA166176145.
Genomic context (GRCh38, chr7:128,843,259, plus strand): 5'-GAGCCCTGACTGAGCCTCCTCCACATCCAGGAGATCCCCGCCAGCCCCTTCCACATCAAG[G>A]TGGACCCATCCCACGATGCCAGCAAAGTCAAGGCCGAGGGCCCTGGGCTGAATCGCACAG-3'
Protein context (NP_001449.3, residues 851-871): EIPASPFHIK[Val861Met]DPSHDASKVK